The following is an entry in ClinVar:

ClinVar aggregate classification (germline): Uncertain significance (1 of 4 stars; one submission).

Conditions:
Familial hemophagocytic lymphohistiocytosis 2 (FHL2). Also called: PRF1-Related Familial Hemophagocytic Lymphohistiocytosis (PRF1-fHLH). Identifiers: Orphanet 540, MedGen C1863727, MONDO:0011337, OMIM 603553.

Allele frequency attached by ClinVar (database versions not stated): gnomAD 0.00001; gnomAD exomes 0.00001; ExAC 0.00002.
gnomAD v4.1: 16 of 1,612,728 alleles (0.00099%); highest among the groups gnomAD compares: South Asian, 0.0011%; no homozygotes.

Submission:

Labcorp Genetics (formerly Invitae), Labcorp
Classification: Uncertain significance for Familial hemophagocytic lymphohistiocytosis 2. Last evaluated: 2023-12-07. Review status: criteria provided, single submitter. Criteria: Invitae Variant Classification Sherloc (09022015). Collection method: clinical testing. Allele origin: germline.
Comment: This sequence change replaces arginine, which is basic and polar, with glutamine, which is neutral and polar, at codon 385 of the PRF1 protein (p.Arg385Gln). This variant is present in population databases (rs781476866, gnomAD 0.003%). This variant has not been reported in the literature in individuals affected with PRF1-related conditions. ClinVar contains an entry for this variant (Variation ID: 1004841). Algorithms developed to predict the effect of missense changes on protein structure and function output the following: SIFT: "Not Available"; PolyPhen-2: "Benign"; Align-GVGD: "Not Available". The glutamine amino acid residue is found in multiple mammalian species, which suggests that this missense change does not adversely affect protein function. In summary, the available evidence is currently insufficient to determine the role of this variant in disease. Therefore, it has been classified as a Variant of Uncertain Significance.

NM_001083116.3(PRF1):c.1154G>A (p.Arg385Gln)

Gene: PRF1 (perforin 1; minus strand). Cytogenetic location: 10q22.1.
Variant type: single nucleotide variant.
Coding change: c.1154G>A on transcript NM_001083116.3 (MANE Select); coding-DNA position 1154, G replaced by A.
Protein change: p.Arg385Gln; replaces arginine 385 with glutamine.
Molecular consequence: missense variant.
Genome position (GRCh38, 1-based): chr10:70,598,567, C>T on the plus strand (G>A on the coding strand, the complement: PRF1 is on the minus strand). VCF-style: chr10-70598567-C-T. GRCh37 (hg19) VCF-style: chr10-72358323-C-T.
Other names: c.1154G>A, p.Arg385Gln (NM_005041.6); short protein forms R385Q.
Identifiers: ClinVar variation 1004841 (VCV001004841.8), dbSNP rs781476866, ClinGen allele CA5538812.
Genomic context (GRCh38, chr10:70,598,567, plus strand): 5'-TGGGTGGTGACCGCTGAGCCATGGCACACACACTGGCATGGGTCTCGGGGGCTCTTCTGC[C>T]GCCCTGGTGGGCACGGCCGGCTGCAGTCCCTCCAGCGAGCCCTGTCCGTCAGGTACTGAC-3'
Protein context (NP_001076585.1, residues 375-395): RDCSRPCPPG[Arg385Gln]QKSPRDPCQC